The following is an entry in ClinVar:

NM_001220.5(CAMK2B):c.559C>T (p.Arg187Cys)

Gene: CAMK2B (calcium/calmodulin dependent protein kinase II beta; minus strand). Cytogenetic location: 7p13.
Variant type: single nucleotide variant.
Coding change: c.559C>T on transcript NM_001220.5 (MANE Select); coding-DNA position 559, C replaced by T.
Protein change: p.Arg187Cys; replaces arginine 187 with cysteine.
Molecular consequence: missense variant.
Genome position (GRCh38, 1-based): chr7:44,243,292, G>A on the plus strand (C>T on the coding strand, the complement: CAMK2B is on the minus strand). VCF-style: chr7-44243292-G-A. GRCh37 (hg19) VCF-style: chr7-44282891-G-A.
Other names: c.559C>T, p.Arg187Cys (NM_001293170.2, NM_172078.3, NM_172079.3 and 5 more transcripts); short protein forms R187C.
Identifiers: ClinVar variation 1962126 (VCV001962126.5), dbSNP rs1477202799, ClinGen allele CA367365704.

ClinVar aggregate classification (germline): Uncertain significance (1 of 4 stars; one submission).

Allele frequency attached by ClinVar (database versions not stated): gnomAD exomes 0.00001; TOPMed 0.00001.
gnomAD v4.1: 8 of 1,613,972 alleles (0.0005%); highest among the groups gnomAD compares: South Asian, 0.0011%; no homozygotes.

Submission:

Labcorp Genetics (formerly Invitae), Labcorp
Classification: Uncertain significance. Last evaluated: 2023-07-20. Review status: criteria provided, single submitter. Criteria: Invitae Variant Classification Sherloc (09022015). Collection method: clinical testing. Allele origin: germline.
Comment: This variant has not been reported in the literature in individuals affected with CAMK2B-related conditions. This sequence change replaces arginine, which is basic and polar, with cysteine, which is neutral and slightly polar, at codon 187 of the CAMK2B protein (p.Arg187Cys). This variant is not present in population databases (gnomAD no frequency). ClinVar contains an entry for this variant (Variation ID: 1962126). An algorithm developed to predict the effect of missense changes on protein structure and function (PolyPhen-2) suggests that this variant is likely to be disruptive. In summary, the available evidence is currently insufficient to determine the role of this variant in disease. Therefore, it has been classified as a Variant of Uncertain Significance.